The following is an entry in ClinVar:

ClinVar aggregate classification (germline): Conflicting classifications of pathogenicity. Review status: criteria provided, conflicting classifications (1 of 4 stars). 5 submissions from 5 submitters: Uncertain significance (4); Likely benign (1). Last evaluated 2026-03-09.

Conditions:
D-2-hydroxyglutaric aciduria 1 (D2HGA1). Identifiers: Orphanet 79315, MedGen C3152055, MONDO:0024554, OMIM 600721.

Allele frequency attached by ClinVar (database versions not stated): gnomAD exomes 0.00004 and 0.00007; gnomAD 0.00028 and 0.00027; ESP Exome Variant Server 0.00015; 1000 Genomes Project 0.00060; ExAC 0.00007; TOPMed 0.00037; 1000 Genomes Project 30x 0.00062.
gnomAD v4.1: 100 of 1,613,176 alleles (0.0062%); highest among the groups gnomAD compares: African/African-American, 0.091%; no homozygotes.

Submissions (5):

Dasa
Classification: Uncertain significance. Last evaluated: 2026-03-09. Review status: criteria provided, single submitter. Criteria: DASA Assertion Criteria. Collection method: clinical testing. Allele origin: germline.
Comment: NM_152783.5(D2HGDH):c.1184G>A (p.Arg395Gln) is a missense variant that results in the substitution of arginine with glutamine. This variant is rare in population databases. The currently available literature and clinical evidence are not sufficient to establish a definitive association between this variant and the reported condition. Therefore, this variant is classified as a variant of uncertain significance.

Labcorp Genetics (formerly Invitae), Labcorp
Classification: Likely benign for D-2-hydroxyglutaric aciduria 1. Last evaluated: 2025-07-01. Review status: criteria provided, single submitter. Criteria: Invitae Variant Classification Sherloc (09022015). Collection method: clinical testing. Allele origin: germline.

New York Genome Center
Classification: Uncertain significance for D-2-hydroxyglutaric aciduria 1. Last evaluated: 2021-07-16. Review status: criteria provided, single submitter. Criteria: NYGC Assertion Criteria 2020. Collection method: clinical testing. Allele origin: inherited. Observed: 1 heterozygote. Study: CSER-NYCKidSeq.

Baylor Genetics
Classification: Uncertain significance for D-2-hydroxyglutaric aciduria 1. Last evaluated: 2019-03-12. Review status: criteria provided, single submitter. Criteria: ACMG Guidelines, 2015. Collection method: clinical testing. Allele origin: unknown. Affected: yes.
Comment: This variant was determined to be of uncertain significance according to ACMG Guidelines, 2015 [PMID:25741868].

Genetic Services Laboratory, University of Chicago
Classification: Uncertain significance for D-2-hydroxyglutaric aciduria 1. Last evaluated: 2014-04-29. Review status: criteria provided, single submitter. Criteria: ACMG Guidelines, 2007. Collection method: clinical testing. Allele origin: germline. Inheritance: Autosomal recessive inheritance.

NM_152783.5(D2HGDH):c.1184G>A (p.Arg395Gln)

Gene: D2HGDH (D-2-hydroxyglutarate dehydrogenase; plus strand). Cytogenetic location: 2q37.3.
Variant type: single nucleotide variant.
Coding change: c.1184G>A on transcript NM_152783.5 (MANE Select); coding-DNA position 1184, G replaced by A.
Protein change: p.Arg395Gln; replaces arginine 395 with glutamine.
Molecular consequence: missense variant. On other transcripts: non-coding transcript variant (1).
Genome position (GRCh38, 1-based): chr2:241,755,892, G>A. VCF-style: chr2-241755892-G-A. GRCh37 (hg19) VCF-style: chr2-242695307-G-A.
Other names: c.782G>A, p.Arg261Gln (NM_001287249.2); c.623G>A, p.Arg208Gln (NM_001352824.2); short protein forms R395Q, R261Q, R208Q.
Identifiers: ClinVar variation 158408 (VCV000158408.12), dbSNP rs201921601, ClinGen allele CA171820.